The following is an entry in ClinVar:

ClinVar aggregate classification (germline): Uncertain significance (1 of 4 stars; one submission).

Submission:

GeneDx
Classification: Uncertain significance. Last evaluated: 2023-03-27. Review status: criteria provided, single submitter. Criteria: GeneDx Variant Classification Process June 2021. Collection method: clinical testing. Allele origin: germline. Affected: yes.
Comment: Not observed at significant frequency in large population cohorts (gnomAD); In silico analysis supports that this missense variant has a deleterious effect on protein structure/function; Has not been previously published as pathogenic or benign to our knowledge

NM_002911.4(UPF1):c.487G>A (p.Ala163Thr)

Gene: UPF1 (UPF1 RNA helicase and ATPase; plus strand). Cytogenetic location: 19p13.11.
Variant type: single nucleotide variant.
Coding change: c.487G>A on transcript NM_002911.4 (MANE Select); coding-DNA position 487, G replaced by A.
Protein change: p.Ala163Thr; replaces alanine 163 with threonine.
Molecular consequence: missense variant.
Genome position (GRCh38, 1-based): chr19:18,850,100, G>A. VCF-style: chr19-18850100-G-A. GRCh37 (hg19) VCF-style: chr19-18960909-G-A.
Other names: c.487G>A, p.Ala163Thr (NM_001297549.2); short protein forms A163T.
Identifiers: ClinVar variation 2582044 (VCV002582044.1), dbSNP rs2512907536, ClinGen allele CA404870740.
Genomic context (GRCh38, chr19:18,850,100, plus strand): 5'-TTGGGTGTTAACCGTTTATCATTTCCTGGTTTCAGCCACATTGTAAATCACCTTGTGAGG[G>A]CAAAATGCAAAGAGGTGACCCTGCACAAGGACGGGCCCCTGGGGGAGACAGTCCTGGAGT-3'
Protein context (NP_002902.2, residues 153-173): GSHIVNHLVR[Ala163Thr]KCKEVTLHKD